The following is an entry in ClinVar:

NM_138694.4(PKHD1):c.8671C>T (p.Arg2891Cys)

Gene: PKHD1 (PKHD1 ciliary IPT domain containing fibrocystin/polyductin; minus strand). Cytogenetic location: 6p12.3.
Variant type: single nucleotide variant.
Coding change: c.8671C>T on transcript NM_138694.4 (MANE Select); coding-DNA position 8671, C replaced by T.
Protein change: p.Arg2891Cys; replaces arginine 2891 with cysteine.
Molecular consequence: missense variant.
Genome position (GRCh38, 1-based): chr6:51,754,910, G>A on the plus strand (C>T on the coding strand, the complement: PKHD1 is on the minus strand). VCF-style: chr6-51754910-G-A. GRCh37 (hg19) VCF-style: chr6-51619708-G-A.
Other names: c.8671C>T, p.Arg2891Cys (NM_170724.3); short protein forms R2891C.
Identifiers: ClinVar variation 861086 (VCV000861086.5), dbSNP rs148990124, ClinGen allele CA3851549.
Genomic context (GRCh38, chr6:51,754,910, plus strand): 5'-GGACCTCTGCTTCATGAGGCTCATAAGAAGAGGAGCTAAGGACTATTTTGTCATGGGGGC[G>A]CCAATCCACTGCATCTTCTACTATAATTCTGTAACAGCATAACAATGGCATTGGATATAC-3'
Protein context (NP_619639.3, residues 2881-2901): RIIVEDAVDW[Arg2891Cys]PHDKIVLSSS

ClinVar aggregate classification (germline): Conflicting classifications of pathogenicity. Review status: criteria provided, conflicting classifications (1 of 4 stars). 3 submissions from 3 submitters: Likely pathogenic (1); Uncertain significance (1). 1 of the submissions does not count toward it. Last evaluated 2025-06-28.

Conditions:
Autosomal recessive polycystic kidney disease (ARPKD). Also called: AR polycystic kidney disease. Identifiers: Orphanet 731, Orphanet 8378, MedGen C0085548, MeSH D017044, MONDO:0009889.
Polycystic kidney disease 4 (PKD4). Also called: PKD3; POLYCYSTIC KIDNEY AND HEPATIC DISEASE 1; POLYCYSTIC KIDNEY DISEASE, INFANTILE, TYPE I; POLYCYSTIC KIDNEY DISEASE 4 WITH OR WITHOUT POLYCYSTIC LIVER DISEASE; Autosomal Recessive Polycystic Kidney Disease – PKHD1. Identifiers: MedGen C4540575, MONDO:0033004, OMIM 263200.

Allele frequency attached by ClinVar (database versions not stated): gnomAD 0.00001 and 0.00002; ESP Exome Variant Server 0.00008; ExAC 0.00002; gnomAD exomes 0.00002 and 0.00004; TOPMed 0.00002.
gnomAD v4.1: 58 of 1,613,046 alleles (0.0036%); highest among the groups gnomAD compares: South Asian, 0.015%; no homozygotes.

Submissions (3):

Immunogenetics and Transplant Biology Service, University Hospital "Città della Salute e della Scienza di Torino"
Classification: Likely pathogenic for Polycystic kidney disease 4. Last evaluated: 2025-06-28. Review status: criteria provided, single submitter. Criteria: ACMG Guidelines, 2015. Collection method: clinical testing. Allele origin: germline. Affected: yes.

Labcorp Genetics (formerly Invitae), Labcorp
Classification: Uncertain significance for Autosomal recessive polycystic kidney disease. Last evaluated: 2021-08-30. Review status: criteria provided, single submitter. Criteria: Invitae Variant Classification Sherloc (09022015). Collection method: clinical testing. Allele origin: germline.
Comment: This sequence change replaces arginine with cysteine at codon 2891 of the PKHD1 protein (p.Arg2891Cys). The arginine residue is moderately conserved and there is a large physicochemical difference between arginine and cysteine. This variant is present in population databases (rs148990124, ExAC 0.006%). This variant has not been reported in the literature in individuals affected with PKHD1-related conditions. Algorithms developed to predict the effect of missense changes on protein structure and function are either unavailable or do not agree on the potential impact of this missense change (SIFT: "Deleterious"; PolyPhen-2: "Possibly Damaging"; Align-GVGD: "Class C0"). In summary, the available evidence is currently insufficient to determine the role of this variant in disease. Therefore, it has been classified as a Variant of Uncertain Significance.

Natera, Inc.
Classification: Uncertain significance for Autosomal recessive polycystic kidney disease. Last evaluated: 2020-09-16. Review status: no assertion criteria provided. Collection method: clinical testing. Allele origin: germline. Not counted in ClinVar's aggregate classification.